The following is an entry in ClinVar:

NM_006796.3(AFG3L2):c.1328CAA[2] (p.Thr445del)

Gene: AFG3L2 (AFG3 like matrix AAA peptidase subunit 2; minus strand). Cytogenetic location: 18p11.21.
Variant type: Microsatellite.
Coding change: c.1328CAA[2] on transcript NM_006796.3 (MANE Select); two copies in a row of the 3-base unit CAA starting at c.1328; the reference has three copies in a row; one copy, 3 bases deleted.
Protein change: p.Thr445del; deletes threonine 445.
Molecular consequence: inframe deletion.
Genome position (GRCh38, 1-based): chr18:12,351,396-12,351,398, TTG deleted on the plus strand (CAA on the coding strand, the reverse complement: AFG3L2 is on the minus strand); deleting any 3 consecutive bases within chr18:12,351,396-12,351,405 gives the same sequence; the position shown is the placement nearest the transcript's 3' end. VCF-style (leftmost placement, unchanged base first): chr18-12351395-TTTG-T. GRCh37 (hg19) VCF-style: chr18-12351394-TTTG-T.
Other names: c.1334_1336delCAA (NM_006796.2); short protein forms T445del.
Identifiers: ClinVar variation 805323 (VCV000805323.8), dbSNP rs749105981, ClinGen allele CA8896518.

ClinVar aggregate classification (germline): Uncertain significance. Review status: criteria provided, multiple submitters, no conflicts (2 of 4 stars). 3 submissions from 3 submitters: Uncertain significance (3). Last evaluated 2025-04-14.

Submissions (3):

Labcorp Genetics (formerly Invitae), Labcorp
Classification: Uncertain significance. Last evaluated: 2025-04-14. Review status: criteria provided, single submitter. Criteria: Invitae Variant Classification Sherloc (09022015). Collection method: clinical testing. Allele origin: germline.
Comment: This variant, c.1334_1336del, results in the deletion of 1 amino acid(s) of the AFG3L2 protein (p.Thr445del), but otherwise preserves the integrity of the reading frame. This variant is present in population databases (rs749105981, gnomAD 0.004%). This variant has not been reported in the literature in individuals affected with AFG3L2-related conditions. ClinVar contains an entry for this variant (Variation ID: 805323). Experimental studies and prediction algorithms are not available or were not evaluated, and the functional significance of this variant is currently unknown. In summary, the available evidence is currently insufficient to determine the role of this variant in disease. Therefore, it has been classified as a Variant of Uncertain Significance.

GeneDx
Classification: Uncertain significance. Last evaluated: 2024-08-26. Review status: criteria provided, single submitter. Criteria: GeneDx Variant Classification Process June 2021. Collection method: clinical testing. Allele origin: germline. Affected: yes.
Comment: Has not been previously published as pathogenic or benign to our knowledge; In-frame deletion of 1 amino acid in a non-repeat region; In silico analysis supports a deleterious effect on protein structure/function

Athena Diagnostics
Classification: Uncertain significance. Last evaluated: 2022-04-28. Review status: criteria provided, single submitter. Criteria: Athena Diagnostics Criteria. Collection method: clinical testing. Allele origin: unknown.